The following is an entry in ClinVar:

ClinVar aggregate classification (germline): Uncertain significance. Review status: criteria provided, multiple submitters, no conflicts (2 of 4 stars). 4 submissions from 4 submitters: Uncertain significance (4). Last evaluated 2025-11-15.

Conditions:
Spondylocostal dysostosis 2, autosomal recessive (SCDO2). Also called: Spondylocostal dysostosis type 2; MESP2-Related Spondylocostal Dysostosis, Autosomal Recessive. Identifiers: Orphanet 2311, MedGen C1837549, MONDO:0012097, OMIM 608681.
MESP2-related disorder. Also called: MESP2-related condition.
Inborn genetic diseases. Identifiers: MedGen C0950123, MeSH D030342.

Allele frequency attached by ClinVar (database versions not stated): gnomAD exomes 0.00011 and 0.00004; 1000 Genomes Project 30x 0.00016; gnomAD 0.00037 and 0.00039; TOPMed 0.00046; ExAC 0.00007.
gnomAD v4.1: 131 of 1,613,000 alleles (0.0081%); highest among the groups gnomAD compares: African/African-American, 0.13%; no homozygotes.

Submissions (4):

PreventionGenetics, part of Exact Sciences
Classification: Uncertain significance for MESP2-related condition. Last evaluated: 2025-11-15. Review status: criteria provided, single submitter. Criteria: ACMG Guidelines, 2015. Collection method: clinical testing. Allele origin: germline.
Comment: The MESP2 c.787C>G variant is predicted to result in the amino acid substitution p.Gln263Glu. To our knowledge, this variant has not been reported in the literature. This variant is reported in 0.11% of alleles in individuals of African descent in gnomAD. Although we suspect that this variant may be benign, at this time, the clinical significance of this variant is uncertain due to the absence of conclusive functional and genetic evidence.

Ambry Genetics
Classification: Uncertain significance for Inborn genetic diseases. Last evaluated: 2024-10-17. Review status: criteria provided, single submitter. Criteria: Ambry Variant Classification Scheme 2023. Collection method: clinical testing. Allele origin: germline.

Labcorp Genetics (formerly Invitae), Labcorp
Classification: Uncertain significance. Last evaluated: 2022-07-25. Review status: criteria provided, single submitter. Criteria: Invitae Variant Classification Sherloc (09022015). Collection method: clinical testing. Allele origin: germline.
Comment: This sequence change replaces glutamine, which is neutral and polar, with glutamic acid, which is acidic and polar, at codon 263 of the MESP2 protein (p.Gln263Glu). This variant is present in population databases (rs199662104, gnomAD 0.1%). This variant has not been reported in the literature in individuals affected with MESP2-related conditions. ClinVar contains an entry for this variant (Variation ID: 1028982). Algorithms developed to predict the effect of missense changes on protein structure and function (SIFT, PolyPhen-2, Align-GVGD) all suggest that this variant is likely to be tolerated. In summary, the available evidence is currently insufficient to determine the role of this variant in disease. Therefore, it has been classified as a Variant of Uncertain Significance.

Baylor Genetics
Classification: Uncertain significance for Spondylocostal dysostosis 2, autosomal recessive. Last evaluated: 2019-03-28. Review status: criteria provided, single submitter. Criteria: ACMG Guidelines, 2015. Collection method: clinical testing. Allele origin: unknown. Affected: yes.
Comment: This variant was determined to be of uncertain significance according to ACMG Guidelines, 2015 [PMID:25741868].

NM_001039958.2(MESP2):c.787C>G (p.Gln263Glu)

Gene: MESP2 (mesoderm posterior bHLH transcription factor 2; plus strand). Cytogenetic location: 15q26.1.
Variant type: single nucleotide variant.
Coding change: c.787C>G on transcript NM_001039958.2 (MANE Select); coding-DNA position 787, C replaced by G.
Protein change: p.Gln263Glu; replaces glutamine 263 with glutamic acid.
Molecular consequence: missense variant.
Genome position (GRCh38, 1-based): chr15:89,777,144, C>G. VCF-style: chr15-89777144-C-G. GRCh37 (hg19) VCF-style: chr15-90320375-C-G.
Other names: short protein forms Q263E.
Identifiers: ClinVar variation 1028982 (VCV001028982.5), dbSNP rs199662104, ClinGen allele CA7730510.